The following is an entry in ClinVar:

NM_000264.5(PTCH1):c.2288T>C (p.Val763Ala)

Genes: PTCH1 (patched 1; minus strand), LOC100507346 (uncharacterized LOC100507346; plus strand). Cytogenetic location: 9q22.32.
Variant type: single nucleotide variant.
Coding change: c.2288T>C on transcript NM_000264.5 (MANE Select); coding-DNA position 2288, T replaced by C.
Protein change: p.Val763Ala; replaces valine 763 with alanine.
Molecular consequence: missense variant. On other transcripts: non-coding transcript variant (1).
Genome position (GRCh38, 1-based): chr9:95,467,388, A>G on the plus strand (T>C on the coding strand, the complement: PTCH1 is on the minus strand). VCF-style: chr9-95467388-A-G. GRCh37 (hg19) VCF-style: chr9-98229670-A-G.
Other names: c.2090T>C, p.Val697Ala (NM_001083602.3); c.2285T>C, p.Val762Ala (NM_001083603.3); c.1835T>C, p.Val612Ala (NM_001083604.3, NM_001083605.3, NM_001083606.3 and 1 more transcripts); c.2132T>C, p.Val711Ala (NM_001354918.2); short protein forms V697A, V762A, V612A, V711A, V763A.
Identifiers: ClinVar variation 2901071 (VCV002901071.3), dbSNP rs2538133781, ClinGen allele CA374114694.

ClinVar aggregate classification (germline): Uncertain significance (1 of 4 stars; one submission).

Conditions:
Gorlin syndrome. Also called: Basal cell nevus syndrome; Nevoid Basal Cell Carcinoma Syndrome. Identifiers: Orphanet 377, MedGen C0004779, MONDO:0007187.

Submission:

Labcorp Genetics (formerly Invitae), Labcorp
Classification: Uncertain significance for Gorlin syndrome. Last evaluated: 2023-11-24. Review status: criteria provided, single submitter. Criteria: Invitae Variant Classification Sherloc (09022015). Collection method: clinical testing. Allele origin: germline.
Comment: This sequence change replaces valine, which is neutral and non-polar, with alanine, which is neutral and non-polar, at codon 763 of the PTCH1 protein (p.Val763Ala). This variant is not present in population databases (gnomAD no frequency). This variant has not been reported in the literature in individuals affected with PTCH1-related conditions. Advanced modeling of protein sequence and biophysical properties (such as structural, functional, and spatial information, amino acid conservation, physicochemical variation, residue mobility, and thermodynamic stability) performed at Invitae indicates that this missense variant is not expected to disrupt PTCH1 protein function with a negative predictive value of 95%. In summary, the available evidence is currently insufficient to determine the role of this variant in disease. Therefore, it has been classified as a Variant of Uncertain Significance.